The following is an entry in ClinVar:

ClinVar aggregate classification (germline): Uncertain significance (1 of 4 stars; one submission).

Submission:

Labcorp Genetics (formerly Invitae), Labcorp
Classification: Uncertain significance. Last evaluated: 2022-07-02. Review status: criteria provided, single submitter. Criteria: Invitae Variant Classification Sherloc (09022015). Collection method: clinical testing. Allele origin: germline.
Comment: This sequence change replaces leucine, which is neutral and non-polar, with proline, which is neutral and non-polar, at codon 241 of the NEFH protein (p.Leu241Pro). In summary, the available evidence is currently insufficient to determine the role of this variant in disease. Therefore, it has been classified as a Variant of Uncertain Significance. Algorithms developed to predict the effect of missense changes on protein structure and function are either unavailable or do not agree on the potential impact of this missense change (SIFT: "Deleterious"; PolyPhen-2: "Not Available"; Align-GVGD: "Class C0"). This variant has not been reported in the literature in individuals affected with NEFH-related conditions. This variant is not present in population databases (gnomAD no frequency).

NM_021076.4(NEFH):c.722T>C (p.Leu241Pro)

Gene: NEFH (neurofilament heavy chain; plus strand). Cytogenetic location: 22q12.2.
Variant type: single nucleotide variant.
Coding change: c.722T>C on transcript NM_021076.4 (MANE Select); coding-DNA position 722, T replaced by C.
Protein change: p.Leu241Pro; replaces leucine 241 with proline.
Molecular consequence: missense variant.
Genome position (GRCh38, 1-based): chr22:29,480,984, T>C. VCF-style: chr22-29480984-T-C. GRCh37 (hg19) VCF-style: chr22-29876973-T-C.
Other names: short protein forms L241P.
Identifiers: ClinVar variation 2013269 (VCV002013269.4), dbSNP rs1470654905, ClinGen allele CA411123809.